The following is an entry in ClinVar:

NM_172364.5(CACNA2D4):c.*55A>C

Gene: CACNA2D4 (calcium voltage-gated channel auxiliary subunit alpha2delta 4; minus strand). Cytogenetic location: 12p13.33.
Variant type: single nucleotide variant.
Coding change: c.*55A>C on transcript NM_172364.5 (MANE Select); 55 bases downstream of the stop codon, A replaced by C.
Molecular consequence: 3 prime UTR variant.
Genome position (GRCh38, 1-based): chr12:1,793,600, T>G on the plus strand (A>C on the coding strand, the complement: CACNA2D4 is on the minus strand). VCF-style: chr12-1793600-T-G. GRCh37 (hg19) VCF-style: chr12-1902766-T-G.
Identifiers: ClinVar variation 307828 (VCV000307828.9), dbSNP rs2058111, ClinGen allele CA10641484.

ClinVar aggregate classification (germline): Benign. Review status: criteria provided, multiple submitters, no conflicts (2 of 4 stars). 3 submissions from 3 submitters: Benign (3). Last evaluated 2021-07-14.

Conditions:
Retinal cone dystrophy 4 (RCD4). Identifiers: Orphanet 1872, MedGen C1864849, MONDO:0012507, OMIM 610478.

Allele frequency attached by ClinVar (database versions not stated): 1000 Genomes Project 30x 0.37804; 1000 Genomes Project 0.38399; TOPMed 0.42422; gnomAD 0.44223 and 0.44487; gnomAD exomes 0.53922.
gnomAD v4.1: 795,934 of 1,504,018 alleles (53%); highest among the groups gnomAD compares: Non-Finnish European, 56%; 216,354 homozygotes.

Submissions (3):

Genome-Nilou Lab
Classification: Benign for Retinal cone dystrophy 4. Last evaluated: 2021-07-14. Review status: criteria provided, single submitter. Criteria: ACMG Guidelines, 2015. Collection method: clinical testing. Allele origin: germline. Affected: no.

Illumina Laboratory Services, Illumina
Classification: Benign for Retinal cone dystrophy 4. Last evaluated: 2018-01-13. Review status: criteria provided, single submitter. Criteria: ICSL Variant Classification Criteria 13 December 2019. Collection method: clinical testing. Allele origin: germline.
Comment: This variant was observed in the ICSL laboratory as part of a predisposition screen in an ostensibly healthy population. It had not been previously curated by ICSL or reported in the Human Gene Mutation Database (HGMD: prior to June 1st, 2018), and was therefore a candidate for classification through an automated scoring system. Utilizing variant allele frequency, disease prevalence and penetrance estimates, and inheritance mode, an automated score was calculated to assess if this variant is too frequent to cause the disease. Based on the score and internal cut-off values, a variant classified as benign is not then subjected to further curation. The score for this variant resulted in a classification of benign for this disease.

Breakthrough Genomics
Classification: Benign. Review status: criteria provided, single submitter. Criteria: ACMG Guidelines, 2015. Collection method: not provided. Allele origin: germline. Inheritance: Autosomal recessive inheritance. Affected: yes.